The following is an entry in ClinVar:

NM_002397.5(MEF2C):c.1211C>A (p.Thr404Asn)

Genes: MEF2C (myocyte enhancer factor 2C; minus strand), MEF2C-AS2 (MEF2C antisense RNA 2; plus strand). Cytogenetic location: 5q14.3.
Variant type: single nucleotide variant.
Coding change: c.1211C>A on transcript NM_002397.5 (MANE Select); coding-DNA position 1211, C replaced by A.
Protein change: p.Thr404Asn; replaces threonine 404 with asparagine.
Molecular consequence: missense variant. On other transcripts: non-coding transcript variant (1).
Genome position (GRCh38, 1-based): chr5:88,722,815, G>T on the plus strand (C>A on the coding strand, the complement: MEF2C is on the minus strand). VCF-style: chr5-88722815-G-T. GRCh37 (hg19) VCF-style: chr5-88018632-G-T.
Other names: c.1113C>A, p.His371Gln (NM_001364345.2, NM_001364346.2, NM_001364347.2); c.1089C>A, p.His363Gln (NM_001364348.2, NM_001364349.2, NM_001364350.2); c.1083C>A, p.His361Gln (NM_001364352.2); c.833C>A, p.Thr278Asn (NM_001364353.2); c.969C>A, p.His323Gln (NM_001364354.2, NM_001364355.2); c.1091C>A, p.Thr364Asn (NM_001364342.2, NM_001364339.2, NM_001364340.2 and 1 more transcripts); c.1085C>A, p.Thr362Asn (NM_001364343.2); c.1067C>A, p.Thr356Asn (NM_001364344.2); and 10 more; short protein forms H323Q, H361Q, H363Q, H371Q, T222N, T246N, T278N, T324N.
Identifiers: ClinVar variation 1339223 (VCV001339223.2), dbSNP rs1756812909, ClinGen allele CA360422193.

ClinVar aggregate classification (germline): Uncertain significance (1 of 4 stars; one submission).

Conditions:
Neurodevelopmental disorder with hypotonia, stereotypic hand movements, and impaired language. Also called: Intellectual disability, autosomal dominant 20. Identifiers: Orphanet 228384, Orphanet 664410, MedGen C3150700, MONDO:0013266, OMIM 613443.

Allele frequency attached by ClinVar (database versions not stated): gnomAD exomes below 0.00001.
gnomAD v4.1: 1 of 1,614,034 alleles (0.000062%); highest among the groups gnomAD compares: South Asian, 0.0011%; no homozygotes.

Submission:

Neuberg Centre For Genomic Medicine, NCGM
Classification: Uncertain significance for Neurodevelopmental disorder with hypotonia, stereotypic hand movements, and impaired language. Review status: criteria provided, single submitter. Criteria: ACMG Guidelines, 2015. Collection method: clinical testing. Allele origin: germline. Affected: yes.
Comment: The missense variant p.T404N in MEF2C (NM_002397.5) has not been reported previously as a pathogenic variant nor as a benign variant, to our knowledge. The p.T404N variant is novel (not in any individuals) in gnomAD Exomes and is novel (not in any individuals) in 1000 Genomes. The p.T404N missense variant is predicted to be damaging by both SIFT and PolyPhen2. The threonine residue at codon 404 of MEF2C is conserved in all mammalian species. The nucleotide c.1211 in MEF2C is predicted conserved by GERP++ and PhyloP across 100 vertebrates. For these reasons, this variant has been classified as Uncertain Significance.